The following is an entry in ClinVar:

ClinVar aggregate classification (germline): Uncertain significance (1 of 4 stars; one submission).

Submission:

Labcorp Genetics (formerly Invitae), Labcorp
Classification: Uncertain significance. Last evaluated: 2022-03-29. Review status: criteria provided, single submitter. Criteria: Invitae Variant Classification Sherloc (09022015). Collection method: clinical testing. Allele origin: germline.
Comment: This variant is not present in population databases (gnomAD no frequency). This sequence change replaces proline, which is neutral and non-polar, with threonine, which is neutral and polar, at codon 21 of the GNPTG protein (p.Pro21Thr). This variant has not been reported in the literature in individuals affected with GNPTG-related conditions. In summary, the available evidence is currently insufficient to determine the role of this variant in disease. Therefore, it has been classified as a Variant of Uncertain Significance. Algorithms developed to predict the effect of missense changes on protein structure and function output the following: SIFT: "Tolerated"; PolyPhen-2: "Not Available"; Align-GVGD: "Class C0". The threonine amino acid residue is found in multiple mammalian species, which suggests that this missense change does not adversely affect protein function.

NM_032520.5(GNPTG):c.61C>A (p.Pro21Thr)

Genes: GNPTG (N-acetylglucosamine-1-phosphate transferase subunit gamma; plus strand), LOC130058158 (ATAC-STARR-seq lymphoblastoid silent region 6972; plus strand). Cytogenetic location: 16p13.3.
Variant type: single nucleotide variant.
Coding change: c.61C>A on transcript NM_032520.5 (MANE Select); coding-DNA position 61, C replaced by A.
Protein change: p.Pro21Thr; replaces proline 21 with threonine.
Molecular consequence: missense variant.
Genome position (GRCh38, 1-based): chr16:1,352,110, C>A. VCF-style: chr16-1352110-C-A. GRCh37 (hg19) VCF-style: chr16-1402111-C-A.
Other names: short protein forms P21T.
Identifiers: ClinVar variation 2177972 (VCV002177972.4), dbSNP rs778042839, ClinGen allele CA394184010.
Genomic context (GRCh38, chr16:1,352,110, plus strand): 5'-CCGCGCGCGCTCTGCACCCCGGCCTCCCCGCTCACGGTCTCGCTCCCCGTAGGGCCCGCG[C>A]CGGCAGGTGCAGCGAAGATGAAGGTGGTGGAGGAGCCCAACGCGTTTGGGTGAGCAGCCT-3'
Protein context (NP_115909.1, residues 11-31): LLGLSAGGPA[Pro21Thr]AGAAKMKVVE